The following is an entry in ClinVar:

ClinVar aggregate classification (germline): Uncertain significance (1 of 4 stars; one submission).

Allele frequency attached by ClinVar (database versions not stated): TOPMed below 0.00001; gnomAD exomes 0.00001.
gnomAD v4.1: 13 of 1,611,198 alleles (0.00081%); highest among the groups gnomAD compares: Admixed American, 0.0017%; no homozygotes.

Submission:

Labcorp Genetics (formerly Invitae), Labcorp
Classification: Uncertain significance. Last evaluated: 2023-06-13. Review status: criteria provided, single submitter. Criteria: Invitae Variant Classification Sherloc (09022015). Collection method: clinical testing. Allele origin: germline.
Comment: This variant is present in population databases (no rsID available, gnomAD 0.003%). This sequence change affects codon 468 of the HPS5 mRNA. It is a 'silent' change, meaning that it does not change the encoded amino acid sequence of the HPS5 protein. This variant has not been reported in the literature in individuals affected with HPS5-related conditions. In summary, the available evidence is currently insufficient to determine the role of this variant in disease. Therefore, it has been classified as a Variant of Uncertain Significance. Algorithms developed to predict the effect of sequence changes on RNA splicing suggest that this variant may create or strengthen a splice site.

NM_181507.2(HPS5):c.1404C>T (p.Cys468=)

Gene: HPS5 (HPS5 biogenesis of lysosomal organelles complex 2 subunit 2; minus strand). Cytogenetic location: 11p15.1.
Variant type: single nucleotide variant.
Coding change: c.1404C>T on transcript NM_181507.2 (MANE Select); coding-DNA position 1404, C replaced by T.
Protein change: p.Cys468=; no amino-acid change (cysteine 468 retained).
Molecular consequence: synonymous variant.
Genome position (GRCh38, 1-based): chr11:18,296,904, G>A on the plus strand (C>T on the coding strand, the complement: HPS5 is on the minus strand). VCF-style: chr11-18296904-G-A. GRCh37 (hg19) VCF-style: chr11-18318451-G-A.
Other names: c.1062C>T, p.Cys354= (NM_007216.4, NM_181508.2).
Identifiers: ClinVar variation 2789022 (VCV002789022.2), dbSNP rs1158586613, ClinGen allele CA473523588.